The following is an entry in ClinVar:

ClinVar aggregate classification (germline): Pathogenic/Likely pathogenic. Review status: criteria provided, multiple submitters, no conflicts (2 of 4 stars). 3 submissions from 3 submitters: Pathogenic (1); Likely pathogenic (2). Last evaluated 2024-10-01.

Conditions:
Cone-rod dystrophy. Also called: Cone/cone-rod dystrophy; Cone-rod degeneration. Identifiers: Orphanet 1872, MedGen C4085590, MONDO:0015993, HP:0000548.
ADAM9-related disorder. Also called: ADAM9-related condition.
Cone-rod dystrophy 9 (CORD9). Identifiers: Orphanet 1872, MedGen C1423873, MONDO:0013002, OMIM 612775.

Submissions (3):

Lab De Baere, Eye and Developmental Genetics Lab, Ghent University
Classification: Pathogenic for Cone-rod dystrophy. Last evaluated: 2024-10-01. Review status: criteria provided, single submitter. Criteria: ACMG Guidelines, 2015. Collection method: research. Allele origin: inherited. Affected: yes. Observed: 1 variant allele.
Comment: ACMG/AMP guidelines: PM2, PP4_PP, PVS1, PM3_PP

Institute of Human Genetics, University of Goettingen
Classification: Likely pathogenic for Cone-rod dystrophy 9. Last evaluated: 2022-10-05. Review status: criteria provided, single submitter. Criteria: ACMG Guidelines, 2015. Collection method: clinical testing. Allele origin: unknown. Inheritance: Autosomal recessive inheritance. Affected: yes. Observed: 1 homozygote.
Comment: The variant c.1616del (p.(Cys539Phefs*5)) in exon 15 of the ADAM9 gene is not found in the gnomAD database and it creates a frame shift starting at codon Cys539. The new reading frame ends in a STOP codon at position 5. ACMG criteria used for classification: PVS1, PM2.

Blueprint Genetics
Classification: Likely pathogenic for ADAM9-related disorders. Last evaluated: 2022-08-31. Review status: criteria provided, single submitter. Criteria: ACMG Guidelines, 2015. Collection method: clinical testing. Allele origin: germline. Affected: yes. Observed: 4 variant alleles.

NM_003816.3(ADAM9):c.1616del (p.Cys539fs)

Gene: ADAM9 (ADAM metallopeptidase domain 9; plus strand). Cytogenetic location: 8p11.22.
Variant type: Deletion.
Coding change: c.1616del on transcript NM_003816.3 (MANE Select); coding-DNA position 1616, one base deleted (G; older notation c.1616delG).
Protein change: p.Cys539fs; shifts the reading frame from cysteine 539.
Molecular consequence: frameshift variant. On other transcripts: non-coding transcript variant (3).
Genome position (GRCh38, 1-based): chr8:39,071,322, G deleted. VCF-style (leftmost placement, unchanged base first): chr8-39071321-TG-T. GRCh37 (hg19) VCF-style: chr8-38928840-TG-T.
Other names: short protein forms C539fs.
Identifiers: ClinVar variation 1708172 (VCV001708172.4), dbSNP rs1838681432, ClinGen allele CA1777836576.